The following is an entry in ClinVar:

NM_001111.5(ADAR):c.2080C>T (p.Pro694Ser)

Gene: ADAR (adenosine deaminase RNA specific; minus strand). Cytogenetic location: 1q21.3.
Variant type: single nucleotide variant.
Coding change: c.2080C>T on transcript NM_001111.5 (MANE Select); coding-DNA position 2080, C replaced by T.
Protein change: p.Pro694Ser; replaces proline 694 with serine.
Molecular consequence: missense variant. On other transcripts: intron variant (1).
Genome position (GRCh38, 1-based): chr1:154,596,995, G>A on the plus strand (C>T on the coding strand, the complement: ADAR is on the minus strand). VCF-style: chr1-154596995-G-A. GRCh37 (hg19) VCF-style: chr1-154569471-G-A.
Other names: c.1195C>T, p.Pro399Ser (NM_001025107.3, NM_001193495.2, NM_001365046.1 and 3 more transcripts); c.2107C>T, p.Pro703Ser (NM_001365045.1); c.2080C>T, p.Pro694Ser (NM_015840.4); c.2080-57C>T (NM_015841.4); short protein forms P703S, P399S, P694S.
Identifiers: ClinVar variation 876411 (VCV000876411.12), dbSNP rs755535385, ClinGen allele CA1131368.

ClinVar aggregate classification (germline): Conflicting classifications of pathogenicity. Review status: criteria provided, conflicting classifications (1 of 4 stars). 3 submissions from 3 submitters: Uncertain significance (2); Likely benign (1). Last evaluated 2024-06-26.

Conditions:
Symmetrical dyschromatosis of extremities (DSH). Also called: Dyschromatosis symmetrica hereditaria; DYSCHROMATOSIS SYMMETRICA HEREDITARIA 1; RETICULATE ACROPIGMENTATION OF DOHI; SYMMETRIC DYSCHROMATOSIS OF THE EXTREMITIES. Identifiers: Orphanet 41, MedGen C0406775, MONDO:0007483, OMIM 127400.
Aicardi-Goutieres syndrome 6 (AGS6). Identifiers: Orphanet 51, MedGen C3539013, MONDO:0014007, OMIM 615010.
Inborn genetic diseases. Identifiers: MedGen C0950123, MeSH D030342.

Allele frequency attached by ClinVar (database versions not stated): ExAC 0.00002; gnomAD exomes 0.00002; gnomAD 0.00004 and 0.00005; TOPMed 0.00006.
gnomAD v4.1: 20 of 1,613,984 alleles (0.0012%); highest among the groups gnomAD compares: African/African-American, 0.011%; no homozygotes.

Submissions (3):

Labcorp Genetics (formerly Invitae), Labcorp
Classification: Uncertain significance for Aicardi-Goutieres syndrome 6; Symmetrical dyschromatosis of extremities. Last evaluated: 2024-06-26. Review status: criteria provided, single submitter. Criteria: Invitae Variant Classification Sherloc (09022015). Collection method: clinical testing. Allele origin: germline.
Comment: This sequence change replaces proline, which is neutral and non-polar, with serine, which is neutral and polar, at codon 694 of the ADAR protein (p.Pro694Ser). This variant is present in population databases (rs755535385, gnomAD 0.01%). This variant has not been reported in the literature in individuals affected with ADAR-related conditions. ClinVar contains an entry for this variant (Variation ID: 876411). Algorithms developed to predict the effect of missense changes on protein structure and function output the following: SIFT: "Not Available"; PolyPhen-2: "Benign"; Align-GVGD: "Not Available". The serine amino acid residue is found in multiple mammalian species, which suggests that this missense change does not adversely affect protein function. In summary, the available evidence is currently insufficient to determine the role of this variant in disease. Therefore, it has been classified as a Variant of Uncertain Significance.

Ambry Genetics
Classification: Likely benign for Inborn genetic diseases. Last evaluated: 2021-11-09. Review status: criteria provided, single submitter. Criteria: Ambry Variant Classification Scheme 2023. Collection method: clinical testing. Allele origin: germline.

Illumina Laboratory Services, Illumina
Classification: Uncertain significance for Symmetrical dyschromatosis of extremities. Last evaluated: 2018-01-13. Review status: criteria provided, single submitter. Criteria: ICSL Variant Classification Criteria 13 December 2019. Collection method: clinical testing. Allele origin: germline.